The following is an entry in ClinVar:

ClinVar aggregate classification (germline): Conflicting classifications of pathogenicity. Review status: criteria provided, conflicting classifications (1 of 4 stars). 10 submissions from 10 submitters: Uncertain significance (2); Benign (1); Likely benign (6). 1 of the submissions does not count toward it. Last evaluated 2026-01-29.

Conditions:
PLEKHG5-related disorder. Also called: PLEKHG5-related condition.
Hereditary neuropathy or pain disorder.
Inborn genetic diseases. Identifiers: MedGen C0950123, MeSH D030342.
Charcot-Marie-Tooth disease recessive intermediate C. Also called: CHARCOT-MARIE-TOOTH NEUROPATHY, RECESSIVE INTERMEDIATE C. Identifiers: Orphanet 369867, MedGen C3809309, MONDO:0014154, OMIM 615376.
Neuronopathy, distal hereditary motor, autosomal recessive 4. Also called: Autosomal recessive lower motor neuron disease with childhood onset; NEUROPATHY, DISTAL HEREDITARY MOTOR, AUTOSOMAL RECESSIVE 4. Identifiers: Orphanet 206580, MedGen C1970211, MONDO:0012608, OMIM 611067.

Allele frequency attached by ClinVar (database versions not stated): gnomAD exomes 0.00190; ExAC 0.00195; gnomAD 0.00206 and 0.00209; TOPMed 0.00229; 1000 Genomes Project 30x 0.00250; 1000 Genomes Project 0.00260; ESP Exome Variant Server 0.00269.
gnomAD v4.1: 4,926 of 1,613,564 alleles (0.31%); highest among the groups gnomAD compares: Non-Finnish European, 0.38%; 8 homozygotes.

Submissions (10):

Labcorp Genetics (formerly Invitae), Labcorp
Classification: Likely benign for Neuronopathy, distal hereditary motor, autosomal recessive 4; Charcot-Marie-Tooth disease recessive intermediate C. Last evaluated: 2026-01-29. Review status: criteria provided, single submitter. Criteria: Invitae Variant Classification Sherloc (09022015). Collection method: clinical testing. Allele origin: germline.

ARUP Laboratories, Molecular Genetics and Genomics, ARUP Laboratories
Classification: Uncertain significance. Last evaluated: 2025-07-17. Review status: criteria provided, single submitter. Criteria: ARUP Molecular Germline Variant Investigation Process 2024. Collection method: clinical testing. Allele origin: germline.
Comment: The PLEKHG5 c.307G>A; p.Val103Met variant (rs141032388), to our knowledge, is not reported in the medical literature but is reported in ClinVar (Variation ID: 245660). This variant is found in the general population with an allele frequency of 0.19% (531/281480 alleles) in the Genome Aggregation Database (v2.1.1). Computational analyses are uncertain whether this variant is neutral or deleterious (REVEL: 0.426). Due to limited information, the clinical significance of this variant is uncertain at this time.

CeGaT Center for Human Genetics Tuebingen
Classification: Likely benign. Last evaluated: 2025-07-01. Review status: criteria provided, single submitter. Criteria: CeGaT Center For Human Genetics Tuebingen Variant Classification Criteria Version 2. Collection method: clinical testing. Allele origin: germline. Affected: yes. Observed: 4 variant alleles.
Comment: PLEKHG5: BS2

Women's Health and Genetics/Laboratory Corporation of America, LabCorp
Classification: Likely benign. Last evaluated: 2025-02-03. Review status: criteria provided, single submitter. Criteria: LabCorp Variant Classification Summary - May 2015. Collection method: clinical testing. Allele origin: germline.
Comment: Variant summary: PLEKHG5 c.307G>A (p.Val103Met) results in a conservative amino acid change in the encoded protein sequence. Three of four in-silico tools predict a damaging effect of the variant on protein function. The variant allele was found at a frequency of 0.0019 in 250140 control chromosomes. The observed variant frequency is approximately 2 fold of the estimated maximal expected allele frequency for a pathogenic variant in PLEKHG5 causing Distal Spinal Muscular Atrophy, Autosomal Recessive 4 phenotype (0.0011). To our knowledge, no occurrence of c.307G>A in individuals affected with Distal Spinal Muscular Atrophy, Autosomal Recessive 4 and no experimental evidence demonstrating its impact on protein function have been reported. ClinVar contains an entry for this variant (Variation ID: 245660). Based on the evidence outlined above, the variant was classified as likely benign.

Blueprint Genetics
Classification: Likely benign. Last evaluated: 2024-11-18. Review status: criteria provided, single submitter. Criteria: ACMG Guidelines, 2015. Collection method: clinical testing. Allele origin: germline.

Mayo Clinic Laboratories, Mayo Clinic
Classification: Benign. Last evaluated: 2024-09-04. Review status: criteria provided, single submitter. Criteria: ACMG Guidelines, 2015. Collection method: clinical testing. Allele origin: germline. Observed: 15 variant alleles.
Comment: BS1, BS2

Cambridge Genomics Laboratory, East Genomic Laboratory Hub, NHS Genomic Medicine Service
Classification: Uncertain significance for Hereditary neuropathy or pain disorder. Last evaluated: 2023-11-16. Review status: criteria provided, single submitter. Criteria: ACGS Best Practice Guidelines for Variant Classification in Rare Disease 2020. Collection method: clinical testing. Allele origin: germline. Affected: yes.
Comment: The p.Val140Met variant is observed in 369/112.702 (0.3274%) alleles from individuals of gnomAD Non Finnish European background in gnomAD All. The p.Val140Met variant is observed in 13/5.008 (0.2596%) alleles from individuals of 1kG All background in 1kG All. The p.Val140Met variant is observed in 7/2.094 (0.3343%) alleles from individuals of gnomAD Genomes v3 Other background in gnomAD Genomes v3 All, which is greater than expected for the disorder. (BS1 - Strong)

Ambry Genetics
Classification: Likely benign for Inborn genetic diseases. Last evaluated: 2019-09-18. Review status: criteria provided, single submitter. Criteria: Ambry Variant Classification Scheme 2023. Collection method: clinical testing. Allele origin: germline.

Illumina Laboratory Services, Illumina
Classification: Likely benign for Neuronopathy, distal hereditary motor, autosomal recessive 4. Last evaluated: 2018-01-13. Review status: criteria provided, single submitter. Criteria: ICSL Variant Classification Criteria 13 December 2019. Collection method: clinical testing. Allele origin: germline.
Comment: This variant was observed in the ICSL laboratory as part of a predisposition screen in an ostensibly healthy population. It had not been previously curated by ICSL or reported in the Human Gene Mutation Database (HGMD: prior to June 1st, 2018), and was therefore a candidate for classification through an automated scoring system. Utilizing variant allele frequency, disease prevalence and penetrance estimates, and inheritance mode, an automated score was calculated to assess if this variant is too frequent to cause the disease. Based on the score and internal cut-off values, a variant classified as likely benign is not then subjected to further curation. The score for this variant resulted in a classification of likely benign for this disease.

PreventionGenetics, part of Exact Sciences
Classification: Likely benign for PLEKHG5-related condition. Last evaluated: 2021-02-03. Review status: no assertion criteria provided. Collection method: clinical testing. Allele origin: germline. Not counted in ClinVar's aggregate classification.
Comment: This variant is classified as likely benign based on ACMG/AMP sequence variant interpretation guidelines (Richards et al. 2015 PMID: 25741868, with internal and published modifications).

NM_020631.6(PLEKHG5):c.307G>A (p.Val103Met)

Gene: PLEKHG5 (pleckstrin homology and RhoGEF domain containing G5; minus strand). Cytogenetic location: 1p36.31.
Variant type: single nucleotide variant.
Coding change: c.307G>A on transcript NM_020631.6 (MANE Select); coding-DNA position 307, G replaced by A.
Protein change: p.Val103Met; replaces valine 103 with methionine.
Molecular consequence: missense variant.
Genome position (GRCh38, 1-based): chr1:6,474,583, C>T on the plus strand (G>A on the coding strand, the complement: PLEKHG5 is on the minus strand). VCF-style: chr1-6474583-C-T. GRCh37 (hg19) VCF-style: chr1-6534643-C-T.
Other names: p.Val103Met; c.418G>A, p.Val140Met (NM_001042663.3, NM_001265592.2); c.307G>A, p.Val103Met (NM_001042664.2, NM_001042665.2, NM_001265594.3 and 1 more transcripts); c.514G>A, p.Val172Met (NM_001265593.2); c.307G>A (NM_020631.5); short protein forms V103M, V172M, V140M.
Identifiers: ClinVar variation 245660 (VCV000245660.70), dbSNP rs141032388, ClinGen allele CA561882.
Genomic context (GRCh38, chr1:6,474,583, plus strand): 5'-CCAGGTAGATGTCCACTTTGCCCAGCGCAATGCCCTTCCTTTCAAATACAGGCAGCAGCA[C>T]CTCCCTGCCCCCAGGACAGGAGGCATGTGTGTTAGAACCAGGCGGCCAGTCGCTTCAGCT-3'
Protein context (NP_065682.2, residues 93-113): PAMKKKSLGE[Val103Met]LLPVFERKGI